The following is an entry in ClinVar:

ClinVar aggregate classification (germline): Pathogenic. Review status: criteria provided, single submitter (1 of 4 stars). 2 submissions from 2 submitters: Pathogenic (1). 1 of the submissions does not count toward it. Last evaluated 2021-10-02.

Conditions:
Complex cortical dysplasia with other brain malformations 7. Identifiers: Orphanet 300573, MedGen C3552236, MONDO:0012399, OMIM 610031.

Submissions (2):

3billion
Classification: Pathogenic for Complex cortical dysplasia with other brain malformations 7. Last evaluated: 2021-10-02. Review status: criteria provided, single submitter. Criteria: ACMG Guidelines, 2015. Collection method: clinical testing. Allele origin: germline. Affected: yes. Observed: 1 heterozygote.
Comment: Same nucleotide change resulting in same amino acid change has been previously reported as de novoo in a similarly affected individual (ClinVar ID: VCV000000427.1, PMID: 19465910, PS1, PS2). It is not observed in the gnomAD v2.1.1 dataset (PM2). The variant was observed as assumed (i.e. paternity and maternity not confirmed) de novoo (3billion dataset, PM6). In silico tool predictions suggest damaging effect of the variant on gene or gene product (REVEL: 0.919, 3Cnet: 0.997, PP3). Patient's phenotype is considered compatible with Cortical Dysplasia, Complex, with Other Brain Malformations 7 (3billion dataset, PP4). Therefore, this variant is classified as pathogenic according to the recommendation of ACMG/AMP guideline.

OMIM
Classification: Pathogenic for CORTICAL DYSPLASIA, COMPLEX, WITH OTHER BRAIN MALFORMATIONS 7. Last evaluated: 2009-06-01. Review status: no assertion criteria provided. Collection method: literature only. Allele origin: germline. Not counted in ClinVar's aggregate classification.

Literature cited by the submitters: PubMed 19465910 (cited by 3billion and OMIM).

NM_178012.5(TUBB2B):c.683T>C (p.Leu228Pro)

Gene: TUBB2B (tubulin beta 2B class IIb; minus strand). Cytogenetic location: 6p25.2.
Variant type: single nucleotide variant.
Coding change: c.683T>C on transcript NM_178012.5 (MANE Select); coding-DNA position 683, T replaced by C.
Protein change: p.Leu228Pro; replaces leucine 228 with proline.
Molecular consequence: missense variant.
Genome position (GRCh38, 1-based): chr6:3,225,406, A>G on the plus strand (T>C on the coding strand, the complement: TUBB2B is on the minus strand). VCF-style: chr6-3225406-A-G. GRCh37 (hg19) VCF-style: chr6-3225640-A-G.
Other names: short protein forms L228P.
Identifiers: ClinVar variation 427 (VCV000000427.3), dbSNP rs137853195, ClinGen allele CA250425.